The following is an entry in ClinVar:

NM_015656.2(KIF26A):c.2446C>T (p.Pro816Ser)

Gene: KIF26A (kinesin family member 26A; plus strand). Cytogenetic location: 14q32.33.
Variant type: single nucleotide variant.
Coding change: c.2446C>T on transcript NM_015656.2 (MANE Select); coding-DNA position 2446, C replaced by T.
Protein change: p.Pro816Ser; replaces proline 816 with serine.
Molecular consequence: missense variant.
Genome position (GRCh38, 1-based): chr14:104,175,234, C>T. VCF-style: chr14-104175234-C-T. GRCh37 (hg19) VCF-style: chr14-104641571-C-T.
Other names: short protein forms P816S.
Identifiers: ClinVar variation 5023248 (VCV005023248.1).

ClinVar aggregate classification (germline): Uncertain significance (1 of 4 stars; one submission).

gnomAD v4.1: 12 of 1,609,024 alleles (0.00075%); highest among the groups gnomAD compares: African/African-American, 0.015%; no homozygotes.

Submission:

Ambry Genetics
Classification: Uncertain significance. Last evaluated: 2026-08-13. Review status: criteria provided, single submitter. Criteria: Ambry Variant Classification Scheme 2023. Collection method: clinical testing. Allele origin: germline.
Comment: The c.2446C>T (p.P816S) alteration is located in exon 12 (coding exon 12) of the KIF26A gene. This alteration results from a C to T substitution at nucleotide position 2446, causing the proline (P) at amino acid position 816 to be replaced by a serine (S). Based on data from gnomAD, the T allele has an overall frequency of 0.003% (9/272994) total alleles studied. The highest observed frequency was 0.038% (9/23482) of African alleles. Based on insufficient or conflicting evidence, the clinical significance of this alteration remains unclear.